The following is an entry in ClinVar:

NM_000426.4(LAMA2):c.5374G>T (p.Glu1792Ter)

Gene: LAMA2 (laminin subunit alpha 2; plus strand). Cytogenetic location: 6q22.33.
Variant type: single nucleotide variant.
Coding change: c.5374G>T on transcript NM_000426.4 (MANE Select); coding-DNA position 5374, G replaced by T.
Protein change: p.Glu1792Ter; replaces glutamic acid 1792 with a stop codon.
Molecular consequence: nonsense.
Genome position (GRCh38, 1-based): chr6:129,393,184, G>T. VCF-style: chr6-129393184-G-T. GRCh37 (hg19) VCF-style: chr6-129714329-G-T.
Other names: c.5374G>T, p.Glu1792Ter (NM_001079823.2); short protein forms E1792*.
Identifiers: ClinVar variation 265425 (VCV000265425.32), dbSNP rs746201268, ClinGen allele CA10588407.

ClinVar aggregate classification (germline): Pathogenic/Likely pathogenic. Review status: criteria provided, multiple submitters, no conflicts (2 of 4 stars). 5 submissions from 5 submitters: Pathogenic (4); Likely pathogenic (1). Last evaluated 2024-03-12.

Conditions:
Muscular dystrophy, limb-girdle, autosomal recessive 23. Identifiers: Orphanet 565837, MedGen C4748327, MONDO:0029136, OMIM 618138.
Merosin deficient congenital muscular dystrophy (MDC1A). Also called: Congenital Muscular Dystrophy Type 1A (MDC1A); Congenital merosin-deficient muscular dystrophy 1A. Identifiers: Orphanet 258, MedGen C1263858, MONDO:0011925, OMIM 607855.
LAMA2-related muscular dystrophy (LAMA2-RD). Also called: Laminin alpha 2-related dystrophy. Identifiers: MedGen C5679788, MONDO:0100228.

Allele frequency attached by ClinVar (database versions not stated): gnomAD exomes below 0.00001.
gnomAD v4.1: 2 of 1,614,050 alleles (0.00012%); highest among the groups gnomAD compares: Non-Finnish European, 0.00017%; no homozygotes.

Submissions (5):

Fulgent Genetics
Classification: Likely pathogenic for Merosin deficient congenital muscular dystrophy; Muscular dystrophy, limb-girdle, autosomal recessive 23. Last evaluated: 2024-03-12. Review status: criteria provided, single submitter. Criteria: ACMG Guidelines, 2015. Collection method: clinical testing. Allele origin: germline.

CeGaT Center for Human Genetics Tuebingen
Classification: Pathogenic. Last evaluated: 2024-03-01. Review status: criteria provided, single submitter. Criteria: CeGaT Center For Human Genetics Tuebingen Variant Classification Criteria Version 2. Collection method: clinical testing. Allele origin: germline. Affected: yes. Observed: 1 variant allele.
Comment: LAMA2: PM3:Very Strong, PVS1, PM2

Baylor Genetics
Classification: Pathogenic for Merosin deficient congenital muscular dystrophy. Last evaluated: 2024-01-23. Review status: criteria provided, single submitter. Criteria: ACMG Guidelines, 2015. Collection method: clinical testing. Allele origin: unknown.

Labcorp Genetics (formerly Invitae), Labcorp
Classification: Pathogenic for LAMA2-related muscular dystrophy. Last evaluated: 2023-10-11. Review status: criteria provided, single submitter. Criteria: Invitae Variant Classification Sherloc (09022015). Collection method: clinical testing. Allele origin: germline.
Comment: This sequence change creates a premature translational stop signal (p.Glu1792*) in the LAMA2 gene. It is expected to result in an absent or disrupted protein product. Loss-of-function variants in LAMA2 are known to be pathogenic (PMID: 18700894, 32904964). This variant is not present in population databases (gnomAD no frequency). This premature translational stop signal has been observed in individual(s) with congenital muscular dystrophy (PMID: 24225367). ClinVar contains an entry for this variant (Variation ID: 265425). For these reasons, this variant has been classified as Pathogenic.

GeneDx
Classification: Pathogenic. Last evaluated: 2016-05-09. Review status: criteria provided, single submitter. Criteria: GeneDx Variant Classification (06012015). Collection method: clinical testing. Allele origin: germline. Affected: yes.
Comment: The E1792X pathogenic variant in the LAMA2 gene has been reported previously in one individual with congenital muscular dystrophy, although a second pathogenic variant was not identified in this individual (Beytia et al., 2014). This variant is predicted to cause loss of normal protein function either through protein truncation or nonsense-mediated mRNA decay. The E1792X variant was not observed in approximately 6500 individuals of European and African American ancestry in the NHLBI Exome Sequencing Project, indicating it is not a common benign variant in these populations. We interpret E1792X as a pathogenic variant.

Literature cited by the submitters: PubMed 18700894 (cited by Labcorp Genetics (formerly Invitae), Labcorp); PubMed 32904964 (cited by Labcorp Genetics (formerly Invitae), Labcorp); PubMed 24225367 (cited by Labcorp Genetics (formerly Invitae), Labcorp).